The following is an entry in ClinVar:

ClinVar aggregate classification (germline): Uncertain significance (1 of 4 stars; one submission).

Conditions:
Inborn genetic diseases. Identifiers: MedGen C0950123, MeSH D030342.

Allele frequency attached by ClinVar (database versions not stated): gnomAD 0.00001; TOPMed 0.00001.
gnomAD v4.1: 1 of 1,613,960 alleles (0.000062%); highest among the groups gnomAD compares: Non-Finnish European, 0.000085%; no homozygotes.

Submission:

Ambry Genetics
Classification: Uncertain significance for Inborn genetic diseases. Last evaluated: 2023-09-09. Review status: criteria provided, single submitter. Criteria: Ambry Variant Classification Scheme 2023. Collection method: clinical testing. Allele origin: germline.
Comment: The p.L1358V variant (also known as c.4072T>G), located in coding exon 22 of the ATR gene, results from a T to G substitution at nucleotide position 4072. The leucine at codon 1358 is replaced by valine, an amino acid with highly similar properties. This amino acid position is conserved. In addition, this alteration is predicted to be deleterious by in silico analysis. Since supporting evidence is limited at this time, the clinical significance of this alteration remains unclear.

NM_001184.4(ATR):c.4072T>G (p.Leu1358Val)

Gene: ATR (ATR checkpoint kinase; minus strand). Cytogenetic location: 3q23.
Variant type: single nucleotide variant.
Coding change: c.4072T>G on transcript NM_001184.4 (MANE Select); coding-DNA position 4072, T replaced by G.
Protein change: p.Leu1358Val; replaces leucine 1358 with valine.
Molecular consequence: missense variant.
Genome position (GRCh38, 1-based): chr3:142,524,073, A>C on the plus strand (T>G on the coding strand, the complement: ATR is on the minus strand). VCF-style: chr3-142524073-A-C. GRCh37 (hg19) VCF-style: chr3-142242915-A-C.
Other names: c.3880T>G, p.Leu1294Val (NM_001354579.2); short protein forms L1294V, L1358V.
Identifiers: ClinVar variation 2624938 (VCV002624938.2), dbSNP rs2033269364, ClinGen allele CA354802433.